The following is an entry in ClinVar:

NM_001854.4(COL11A1):c.3893C>G (p.Pro1298Arg)

Gene: COL11A1 (collagen type XI alpha 1 chain; minus strand). Cytogenetic location: 1p21.1.
Variant type: single nucleotide variant.
Coding change: c.3893C>G on transcript NM_001854.4 (MANE Select); coding-DNA position 3893, C replaced by G.
Protein change: p.Pro1298Arg; replaces proline 1298 with arginine.
Molecular consequence: missense variant. On other transcripts: non-coding transcript variant (1).
Genome position (GRCh38, 1-based): chr1:102,914,735, G>C on the plus strand (C>G on the coding strand, the complement: COL11A1 is on the minus strand). VCF-style: chr1-102914735-G-C. GRCh37 (hg19) VCF-style: chr1-103380291-G-C.
Other names: c.3545C>G, p.Pro1182Arg (NM_001168249.1, NM_080630.4); c.3776C>G, p.Pro1259Arg (NM_001190709.2); c.3929C>G, p.Pro1310Arg (NM_080629.3); short protein forms P1298R, P1259R, P1182R, P1310R.
Identifiers: ClinVar variation 3147159 (VCV003147159.3), dbSNP rs2524484799, ClinGen allele CA341161313.

ClinVar aggregate classification (germline): Uncertain significance. Review status: criteria provided, multiple submitters, no conflicts (2 of 4 stars). 2 submissions from 2 submitters: Uncertain significance (2). Last evaluated 2023-10-25.

Conditions:
Hearing loss, autosomal dominant 37. Also called: DEAFNESS, AUTOSOMAL DOMINANT 37. Identifiers: MedGen C4760307, MONDO:0032802, OMIM 618533.
Intervertebral disc disorder (IDD). Also called: INTERVERTEBRAL DISC DISEASE; Lumbar disk degenerative disorder. Identifiers: MedGen C0158252, MONDO:0044339, OMIM 603932.
Fibrochondrogenesis 1 (FBCG1). Identifiers: Orphanet 2021, MedGen C3278138, MONDO:0009226, OMIM 228520.
Marshall syndrome (MRSHS). Identifiers: Orphanet 560, MedGen C0265235, MONDO:0007949, OMIM 154780.
Stickler syndrome type 2 (STL2). Also called: STICKLER SYNDROME, TYPE II; STICKLER SYNDROME, BEADED VITREOUS TYPE; STICKLER SYNDROME, VITREOUS TYPE 2; COL11A1-Related Stickler Syndrome. Identifiers: Orphanet 828, Orphanet 90654, MedGen C1858084, MONDO:0011493, OMIM 604841.
Inborn genetic diseases. Identifiers: MedGen C0950123, MeSH D030342.

Submissions (2):

Ambry Genetics
Classification: Uncertain significance for Inborn genetic diseases. Last evaluated: 2023-10-25. Review status: criteria provided, single submitter. Criteria: Ambry Variant Classification Scheme 2023. Collection method: clinical testing. Allele origin: germline.

Juno Genomics, Hangzhou Juno Genomics, Inc
Classification: Uncertain significance for Stickler syndrome type 2; Intervertebral disc disorder; Hearing loss, autosomal dominant 37; Fibrochondrogenesis 1; Marshall syndrome. Review status: criteria provided, single submitter. Criteria: ACMG Guidelines, 2015. Collection method: clinical testing. Allele origin: germline.
Comment: Absent from controls (or at extremely low frequency if recessive) in Genome Aggregation Database.;Multiple lines of computational evidence support a deleterious effect on the gene or gene product.